The following is an entry in ClinVar:

NM_025137.4(SPG11):c.4750A>G (p.Thr1584Ala)

Gene: SPG11 (SPG11 vesicle trafficking associated, spatacsin; minus strand). Cytogenetic location: 15q21.1.
Variant type: single nucleotide variant.
Coding change: c.4750A>G on transcript NM_025137.4 (MANE Select); coding-DNA position 4750, A replaced by G.
Protein change: p.Thr1584Ala; replaces threonine 1584 with alanine.
Molecular consequence: missense variant.
Genome position (GRCh38, 1-based): chr15:44,589,408, T>C on the plus strand (A>G on the coding strand, the complement: SPG11 is on the minus strand). VCF-style: chr15-44589408-T-C. GRCh37 (hg19) VCF-style: chr15-44881606-T-C.
Other names: c.4750A>G, p.Thr1584Ala (NM_001160227.2); short protein forms T1584A.
Identifiers: ClinVar variation 962726 (VCV000962726.9), dbSNP rs1595851014, ClinGen allele CA392224503.
Genomic context (GRCh38, chr15:44,589,408, plus strand): 5'-AACACACCTGATCCTCCAGCCACATGGCAGGGATGACAGGGTGGACCTTTGTGGCTGCTG[T>C]GTTAAGCTATGAAAGAAAAAGAGAAGCTTAGGGAAAGCAGTTTCATGAGAATAGCAAATC-3'
Protein context (NP_079413.3, residues 1574-1594): EFQKSLETLN[Thr1584Ala]AATKVHPVIP

ClinVar aggregate classification (germline): Uncertain significance. Review status: criteria provided, multiple submitters, no conflicts (2 of 4 stars). 2 submissions from 2 submitters: Uncertain significance (2). Last evaluated 2023-10-03.

Conditions:
Hereditary spastic paraplegia 11. Also called: Nakamura Osame syndrome; Autosomal recessive hereditary spastic paraplegia, mental impairment, and thin corpus callosum; Spastic paraplegia, mental retardation and thin corpus callosum; SPASTIC PARAPLEGIA, AUTOSOMAL RECESSIVE, COMPLICATED, WITH THIN CORPUS CALLOSUM; SPASTIC PARAPLEGIA, AUTOSOMAL RECESSIVE, WITH MENTAL IMPAIRMENT AND THIN CORPUS CALLOSUM; Spastic Paraplegia 11. Identifiers: Orphanet 2822, MedGen C1858479, MONDO:0011445, OMIM 604360.
Inborn genetic diseases. Identifiers: MedGen C0950123, MeSH D030342.

Allele frequency attached by ClinVar (database versions not stated): gnomAD exomes below 0.00001; gnomAD 0.00001; TOPMed 0.00001.
gnomAD v4.1: 5 of 1,613,930 alleles (0.00031%); highest among the groups gnomAD compares: Non-Finnish European, 0.00042%; no homozygotes.

Submissions (2):

Labcorp Genetics (formerly Invitae), Labcorp
Classification: Uncertain significance for Hereditary spastic paraplegia 11. Last evaluated: 2023-10-03. Review status: criteria provided, single submitter. Criteria: Invitae Variant Classification Sherloc (09022015). Collection method: clinical testing. Allele origin: germline.
Comment: This sequence change replaces threonine, which is neutral and polar, with alanine, which is neutral and non-polar, at codon 1584 of the SPG11 protein (p.Thr1584Ala). This variant is not present in population databases (gnomAD no frequency). This variant has not been reported in the literature in individuals affected with SPG11-related conditions. ClinVar contains an entry for this variant (Variation ID: 962726). Advanced modeling of protein sequence and biophysical properties (such as structural, functional, and spatial information, amino acid conservation, physicochemical variation, residue mobility, and thermodynamic stability) performed at Invitae indicates that this missense variant is not expected to disrupt SPG11 protein function. In summary, the available evidence is currently insufficient to determine the role of this variant in disease. Therefore, it has been classified as a Variant of Uncertain Significance.

Ambry Genetics
Classification: Uncertain significance for Inborn genetic diseases. Last evaluated: 2020-08-11. Review status: criteria provided, single submitter. Criteria: Ambry Variant Classification Scheme 2023. Collection method: clinical testing. Allele origin: germline.
Comment: The p.T1584A variant (also known as c.4750A>G), located in coding exon 28 of the SPG11 gene, results from an A to G substitution at nucleotide position 4750. The threonine at codon 1584 is replaced by alanine, an amino acid with similar properties. This amino acid position is not well conserved in available vertebrate species. In addition, this alteration is predicted to be tolerated by in silico analysis. Since supporting evidence is limited at this time, the clinical significance of this alteration remains unclear.